The following is an entry in ClinVar:

ClinVar aggregate classification (germline): Uncertain significance (1 of 4 stars; one submission).

Conditions:
Familial thoracic aortic aneurysm and aortic dissection (TAAD). Also called: Thoracic aortic aneurysms and dissections. Identifiers: Orphanet 91387, MedGen C4707243, MONDO:0019625.

Allele frequency attached by ClinVar (database versions not stated): gnomAD 0.00001; 1000 Genomes Project 30x 0.00031.
gnomAD v4.1: 8 of 1,542,186 alleles (0.00052%); highest among the groups gnomAD compares: African/African-American, 0.0041%; 1 homozygote.

Submission:

Ambry Genetics
Classification: Uncertain significance for Familial thoracic aortic aneurysm and aortic dissection. Last evaluated: 2023-02-25. Review status: criteria provided, single submitter. Criteria: Ambry Variant Classification Scheme 2023. Collection method: clinical testing. Allele origin: germline.
Comment: The p.I667M variant (also known as c.2001C>G), located in coding exon 7 of the SKI gene, results from a C to G substitution at nucleotide position 2001. The isoleucine at codon 667 is replaced by methionine, an amino acid with highly similar properties. This amino acid position is conserved. In addition, the in silico prediction for this alteration is inconclusive. Since supporting evidence is limited at this time, the clinical significance of this alteration remains unclear.

NM_003036.4(SKI):c.2001C>G (p.Ile667Met)

Gene: SKI (SKI proto-oncogene; plus strand). Cytogenetic location: 1p36.32.
Variant type: single nucleotide variant.
Coding change: c.2001C>G on transcript NM_003036.4 (MANE Select); coding-DNA position 2001, C replaced by G.
Protein change: p.Ile667Met; replaces isoleucine 667 with methionine.
Molecular consequence: missense variant.
Genome position (GRCh38, 1-based): chr1:2,306,579, C>G. VCF-style: chr1-2306579-C-G. GRCh37 (hg19) VCF-style: chr1-2238018-C-G.
Other names: short protein forms I667M.
Identifiers: ClinVar variation 2452635 (VCV002452635.2), dbSNP rs1640588870, ClinGen allele CA337959482.